The following is an entry in ClinVar:

NM_001267550.2(TTN):c.85454A>G (p.Tyr28485Cys)

Genes: TTN (titin; minus strand), TTN-AS1 (TTN antisense RNA 1; plus strand). Cytogenetic location: 2q31.2.
Variant type: single nucleotide variant.
Coding change: c.85454A>G on transcript NM_001267550.2 (MANE Select); coding-DNA position 85454, A replaced by G.
Protein change: p.Tyr28485Cys; replaces tyrosine 28485 with cysteine.
Molecular consequence: missense variant.
Genome position (GRCh38, 1-based): chr2:178,560,678, T>C on the plus strand (A>G on the coding strand, the complement: TTN is on the minus strand). VCF-style: chr2-178560678-T-C. GRCh37 (hg19) VCF-style: chr2-179425405-T-C.
Other names: c.80531A>G, p.Tyr26844Cys (NM_001256850.1); c.58259A>G, p.Tyr19420Cys (NM_003319.4); c.77750A>G, p.Tyr25917Cys (NM_133378.4); c.58634A>G, p.Tyr19545Cys (NM_133432.3); c.58835A>G, p.Tyr19612Cys (NM_133437.4); short protein forms Y19420C, Y19612C, Y25917C, Y26844C, Y28485C, Y19545C.
Identifiers: ClinVar variation 4979432 (VCV004979432.1).

ClinVar aggregate classification (germline): Uncertain significance (1 of 4 stars; one submission).

Conditions:
TTN-related disorder. Also called: TTN-related condition; TTN-related disease; TTN-related disorders.

gnomAD v4.1: 5 of 1,613,674 alleles (0.00031%); highest among the groups gnomAD compares: East Asian, 0.0089%; no homozygotes.

Submission:

PreventionGenetics, part of Exact Sciences
Classification: Uncertain significance for TTN-related condition. Last evaluated: 2026-08-25. Review status: criteria provided, single submitter. Criteria: ACMG Guidelines, 2015. Collection method: clinical testing. Allele origin: germline.
Comment: The TTN c.85454A>G variant is predicted to result in the amino acid substitution p.Tyr28485Cys. To our knowledge, this variant has not been reported in the literature. This variant is reported in 0.011% of alleles in individuals of East Asian descent in gnomAD. At this time, the clinical significance of this variant is uncertain due to the absence of conclusive functional and genetic evidence.